The following is an entry in ClinVar:

ClinVar aggregate classification (germline): Conflicting classifications of pathogenicity. Review status: criteria provided, conflicting classifications (1 of 4 stars). 2 submissions from 2 submitters: Uncertain significance (1); Likely benign (1). Last evaluated 2024-12-06.

Conditions:
Hereditary cancer-predisposing syndrome. Also called: Neoplastic Syndromes, Hereditary; Tumor predisposition; Hereditary Cancer Syndrome; Hereditary neoplastic syndrome. Identifiers: Orphanet 140162, MedGen C0027672, MeSH D009386, MONDO:0015356.

Allele frequency attached by ClinVar (database versions not stated): TOPMed below 0.00001; gnomAD 0.00001.
gnomAD v4.1: 1 of 1,613,878 alleles (0.000062%); highest among the groups gnomAD compares: African/African-American, 0.0013%; no homozygotes.

Submissions (2):

Ambry Genetics
Classification: Uncertain significance for Hereditary cancer-predisposing syndrome. Last evaluated: 2024-12-06. Review status: criteria provided, single submitter. Criteria: Ambry Variant Classification Scheme 2023. Collection method: clinical testing. Allele origin: germline.

University of Washington Department of Laboratory Medicine, University of Washington
Classification: Likely benign for Hereditary cancer-predisposing syndrome. Last evaluated: 2023-03-23. Review status: criteria provided, single submitter. Criteria: Dines et al. (Genet Med. 2020). Collection method: curation. Allele origin: germline.
Comment: Missense variant in a coldspot region where missense variants are very unlikely to be pathogenic (PMID:31911673).

BRCA1 coldspot (exon 11 using historical exon numbering). Reclassification based on statistical prior probability

NM_007294.4(BRCA1):c.3091A>T (p.Ile1031Phe)

Gene: BRCA1 (BRCA1 DNA repair associated; minus strand). Cytogenetic location: 17q21.31.
Variant type: single nucleotide variant.
Coding change: c.3091A>T on transcript NM_007294.4 (MANE Select); coding-DNA position 3091, A replaced by T.
Protein change: p.Ile1031Phe; replaces isoleucine 1031 with phenylalanine.
Molecular consequence: missense variant. On other transcripts: intron variant (137).
Genome position (GRCh38, 1-based): chr17:43,092,440, T>A on the plus strand (A>T on the coding strand, the complement: BRCA1 is on the minus strand). VCF-style: chr17-43092440-T-A. GRCh37 (hg19) VCF-style: chr17-41244457-T-A.
Other names: c.3091A>T, p.Ile1031Phe (NM_001407684.1, NM_001407581.1, NM_001407582.1 and 30 more transcripts); c.2965A>T, p.Ile989Phe (NM_001407685.1, NM_001407686.1, NM_001407687.1 and 11 more transcripts); c.2878A>T, p.Ile960Phe (NM_001407571.1, NM_001407853.1, NM_001407894.1 and 9 more transcripts); c.3088A>T, p.Ile1030Phe (NM_001407587.1, NM_001407590.1, NM_001407591.1 and 22 more transcripts); c.2950A>T, p.Ile984Phe (NM_001407692.1, NM_001407694.1, NM_001407695.1 and 29 more transcripts); c.2947A>T, p.Ile983Phe (NM_001407740.1, NM_001407741.1, NM_001407742.1 and 20 more transcripts); c.3082A>T, p.Ile1028Phe (NM_001407646.1, NM_001407647.1); c.2968A>T, p.Ile990Phe (NM_001407648.1, NM_001407863.1, NM_001407664.1 and 19 more transcripts); and 41 more; short protein forms I1031F, I984F, I1030F, I919F, I920F, I960F, I964F, I1028F.
Identifiers: ClinVar variation 187759 (VCV000187759.9), dbSNP rs786203979, ClinGen allele CA002025.
Genomic context (GRCh38, chr17:43,092,440, plus strand): 5'-TACTGGAACCTACTTCATTAATATTGCTTGAGCTGGCTTCTTTAAAAACATTTTCTCTAA[T>A]GTTATTACGGCTAATTGTGCTCACTGTACTTGGAATGTTCTCATTTCCCATTTCTCTTTC-3'
Protein context (NP_009225.1, residues 1021-1041): STVSTISRNN[Ile1031Phe]RENVFKEASS